The following is an entry in ClinVar:

NM_004369.4(COL6A3):c.4677C>T (p.Phe1559=)

Gene: COL6A3 (collagen type VI alpha 3 chain; minus strand). Cytogenetic location: 2q37.3.
Variant type: single nucleotide variant.
Coding change: c.4677C>T on transcript NM_004369.4 (MANE Select); coding-DNA position 4677, C replaced by T.
Protein change: p.Phe1559=; no amino-acid change (phenylalanine 1559 retained).
Molecular consequence: synonymous variant.
Genome position (GRCh38, 1-based): chr2:237,368,786, G>A on the plus strand (C>T on the coding strand, the complement: COL6A3 is on the minus strand). VCF-style: chr2-237368786-G-A. GRCh37 (hg19) VCF-style: chr2-238277429-G-A.
Other names: c.2856C>T, p.Phe952= (NM_057166.5); c.4059C>T, p.Phe1353= (NM_057167.4).
Identifiers: ClinVar variation 290256 (VCV000290256.50), dbSNP rs147215386, ClinGen allele CA2188840.
Genomic context (GRCh38, chr2:237,368,786, plus strand): 5'-GTCGATGTTCCGGTCTCCTACCCCTAAACTCACAATGCCCGAGGAACGGATCACCTGGGC[G>A]AACCTGGACACATCGTCCTGGGATTTTCCACCCAGGACCAGGACCAGGTGTTGGGGCACC-3'
Protein context (NP_004360.2, residues 1549-1569): GGKSQDDVSR[Phe1559=]AQVIRSSGIV

ClinVar aggregate classification (germline): Conflicting classifications of pathogenicity. Review status: criteria provided, conflicting classifications (1 of 4 stars). 4 submissions from 4 submitters: Uncertain significance (1); Likely benign (3). Last evaluated 2026-06-01.

Conditions:
Bethlem myopathy 1A. Also called: Bethlem myopathy 1; Bethlem Muscular Dystrophy; MYOPATHY, BENIGN CONGENITAL, WITH CONTRACTURES. Identifiers: Orphanet 610, MedGen CN029274, MONDO:0024530, OMIM 158810.

Allele frequency attached by ClinVar (database versions not stated): gnomAD 0.00006; ESP Exome Variant Server 0.00008; TOPMed 0.00009; gnomAD exomes 0.00012 and 0.00014; ExAC 0.00022.
gnomAD v4.1: 184 of 1,614,090 alleles (0.011%); highest among the groups gnomAD compares: Non-Finnish European, 0.014%; no homozygotes.

Submissions (4):

CeGaT Center for Human Genetics Tuebingen
Classification: Likely benign. Last evaluated: 2026-06-01. Review status: criteria provided, single submitter. Criteria: CeGaT Center For Human Genetics Tuebingen Variant Classification Criteria Version 2. Collection method: clinical testing. Allele origin: germline. Affected: yes. Observed: 3 variant alleles.
Comment: COL6A3: BP4, BP7

Labcorp Genetics (formerly Invitae), Labcorp
Classification: Likely benign for Bethlem myopathy 1A. Last evaluated: 2025-04-11. Review status: criteria provided, single submitter. Criteria: Invitae Variant Classification Sherloc (09022015). Collection method: clinical testing. Allele origin: germline.

GeneDx
Classification: Likely benign. Last evaluated: 2018-04-25. Review status: criteria provided, single submitter. Criteria: GeneDx Variant Classification Process June 2021. Collection method: clinical testing. Allele origin: germline. Affected: yes.

Eurofins Ntd Llc (ga)
Classification: Uncertain significance. Last evaluated: 2016-09-11. Review status: criteria provided, single submitter. Criteria: EGL Classification Definitions 2015. Collection method: clinical testing. Allele origin: germline. Observed: 1 variant allele, 1 heterozygote.